The following is an entry in ClinVar:

ClinVar aggregate classification (germline): Likely benign. Review status: criteria provided, single submitter (1 of 4 stars). 2 submissions from 2 submitters: Likely benign (1). 1 of the submissions does not count toward it. Last evaluated 2025-10-26.

Conditions:
ETFB-related disorder. Also called: ETFB-related condition.
Multiple acyl-CoA dehydrogenase deficiency (MADD). Also called: Glutaric aciduria, type 2; Glutaric acidemia type II; GA 2; ETHYLMALONIC-ADIPICACIDURIA; GA II; Glutaric Acidemia type 2. Identifiers: Orphanet 26791, MedGen C0268596, MONDO:0009282, OMIM 231680.

Allele frequency attached by ClinVar (database versions not stated): ExAC 0.00002; gnomAD exomes 0.00004; TOPMed 0.00012; gnomAD 0.00015; 1000 Genomes Project 0.00060; 1000 Genomes Project 30x 0.00062.
gnomAD v4.1: 40 of 1,614,058 alleles (0.0025%); highest among the groups gnomAD compares: African/African-American, 0.04%; no homozygotes.

Submissions (2):

Labcorp Genetics (formerly Invitae), Labcorp
Classification: Likely benign for Multiple acyl-CoA dehydrogenase deficiency. Last evaluated: 2025-10-26. Review status: criteria provided, single submitter. Criteria: Invitae Variant Classification Sherloc (09022015). Collection method: clinical testing. Allele origin: germline.

PreventionGenetics, part of Exact Sciences
Classification: Likely benign for ETFB-related condition. Last evaluated: 2023-08-23. Review status: no assertion criteria provided. Collection method: clinical testing. Allele origin: germline. Not counted in ClinVar's aggregate classification.
Comment: This variant is classified as likely benign based on ACMG/AMP sequence variant interpretation guidelines (Richards et al. 2015 PMID: 25741868, with internal and published modifications).

NM_001985.3(ETFB):c.264C>T (p.His88=)

Gene: ETFB (electron transfer flavoprotein subunit beta; minus strand). Cytogenetic location: 19q13.41.
Variant type: single nucleotide variant.
Coding change: c.264C>T on transcript NM_001985.3 (MANE Select); coding-DNA position 264, C replaced by T.
Protein change: p.His88=; no amino-acid change (histidine 88 retained).
Molecular consequence: synonymous variant.
Genome position (GRCh38, 1-based): chr19:51,353,243, G>A on the plus strand (C>T on the coding strand, the complement: ETFB is on the minus strand). VCF-style: chr19-51353243-G-A. GRCh37 (hg19) VCF-style: chr19-51856497-G-A.
Other names: c.537C>T, p.His179= (NM_001014763.1).
Identifiers: ClinVar variation 703526 (VCV000703526.10), dbSNP rs562266125, ClinGen allele CA9610809.